The following is an entry in ClinVar:

ClinVar aggregate classification (germline): Pathogenic (1 of 4 stars; one submission).

Conditions:
Alstrom syndrome (ALMS). Identifiers: Orphanet 64, MedGen C0268425, MONDO:0008763, OMIM 203800.

Submission:

Labcorp Genetics (formerly Invitae), Labcorp
Classification: Pathogenic for Alstrom syndrome. Last evaluated: 2023-11-21. Review status: criteria provided, single submitter. Criteria: Invitae Variant Classification Sherloc (09022015). Collection method: clinical testing. Allele origin: germline.
Comment: This sequence change creates a premature translational stop signal (p.Gly2033*) in the ALMS1 gene. It is expected to result in an absent or disrupted protein product. Loss-of-function variants in ALMS1 are known to be pathogenic (PMID: 17594715). This variant is not present in population databases (gnomAD no frequency). This variant has not been reported in the literature in individuals affected with ALMS1-related conditions. ClinVar contains an entry for this variant (Variation ID: 936916). For these reasons, this variant has been classified as Pathogenic.

Literature cited by the submitters: PubMed 17594715.

NM_001378454.1(ALMS1):c.6094G>T (p.Gly2032Ter)

Gene: ALMS1 (ALMS1 centrosome and basal body associated protein; plus strand). Cytogenetic location: 2p13.1.
Variant type: single nucleotide variant.
Coding change: c.6094G>T on transcript NM_001378454.1 (MANE Select); coding-DNA position 6094, G replaced by T.
Protein change: p.Gly2032Ter; replaces glycine 2032 with a stop codon.
Molecular consequence: nonsense.
Genome position (GRCh38, 1-based): chr2:73,452,621, G>T. VCF-style: chr2-73452621-G-T. GRCh37 (hg19) VCF-style: chr2-73679748-G-T.
Other names: c.6097G>T, p.Gly2033Ter (NM_015120.4); short protein forms G2033*, G2032*.
Identifiers: ClinVar variation 936916 (VCV000936916.7), dbSNP rs1671971419, ClinGen allele CA347284840.